The following is an entry in ClinVar:

ClinVar aggregate classification (germline): Uncertain significance. Review status: criteria provided, multiple submitters, no conflicts (2 of 4 stars). 3 submissions from 3 submitters: Uncertain significance (3). Last evaluated 2026-02-26.

Conditions:
Inborn genetic diseases. Identifiers: MedGen C0950123, MeSH D030342.
Schöpf-Schulz-Passarge syndrome. Also called: KERATOSIS PALMOPLANTARIS WITH CYSTIC EYELIDS, HYPODONTIA, AND HYPOTRICHOSIS; SchC6pf-Schulz-Passarge syndrome; ECCRINE TUMORS WITH ECTODERMAL DYSPLASIA. Identifiers: Orphanet 50944, MedGen C1857069, MONDO:0009145, OMIM 224750.
Tooth agenesis, selective, 4 (STHAG4). Also called: LATERAL INCISORS, ABSENCE OF; LATERAL INCISORS, PEGGED OR MISSING; SUCCEDANEOUS TEETH, AGENESIS OF; TOOTH AGENESIS, SELECTIVE, 4, WITH OR WITHOUT ECTODERMAL DYSPLASIA. Identifiers: Orphanet 99798, MedGen C1835492, MONDO:0007881, OMIM 150400. Disease mechanism: loss of function.
Odonto-onycho-dermal dysplasia. Identifiers: Orphanet 2721, MedGen C0796093, MONDO:0009773, OMIM 257980.

Allele frequency attached by ClinVar (database versions not stated): ExAC 0.00002; gnomAD 0.00005; 1000 Genomes Project 30x 0.00016.
gnomAD v4.1: 16 of 1,600,722 alleles (0.001%); highest among the groups gnomAD compares: Admixed American, 0.017%; no homozygotes.

Submissions (3):

Ambry Genetics
Classification: Uncertain significance for Inborn genetic diseases. Last evaluated: 2026-02-26. Review status: criteria provided, single submitter. Criteria: Ambry Variant Classification Scheme 2023. Collection method: clinical testing. Allele origin: germline.

Labcorp Genetics (formerly Invitae), Labcorp
Classification: Uncertain significance for Tooth agenesis, selective, 4; Odonto-onycho-dermal dysplasia. Last evaluated: 2025-10-08. Review status: criteria provided, single submitter. Criteria: Invitae Variant Classification Sherloc (09022015). Collection method: clinical testing. Allele origin: germline.
Comment: This sequence change replaces arginine, which is basic and polar, with proline, which is neutral and non-polar, at codon 13 of the WNT10A protein (p.Arg13Pro). This variant is present in population databases (rs767104236, gnomAD no frequency). This variant has not been reported in the literature in individuals affected with WNT10A-related conditions. ClinVar contains an entry for this variant (Variation ID: 1917753). Invitae Evidence Modeling of protein sequence and biophysical properties (such as structural, functional, and spatial information, amino acid conservation, physicochemical variation, residue mobility, and thermodynamic stability) indicates that this missense variant is not expected to disrupt WNT10A protein function with a negative predictive value of 95%. In summary, the available evidence is currently insufficient to determine the role of this variant in disease. Therefore, it has been classified as a Variant of Uncertain Significance.

Department of Pathology and Laboratory Medicine, Sinai Health System
Classification: Uncertain significance for Tooth agenesis, selective, 4; Schöpf-Schulz-Passarge syndrome; Odonto-onycho-dermal dysplasia. Last evaluated: 2021-07-30. Review status: criteria provided, single submitter. Criteria: ACMG Guidelines, 2015. Collection method: research. Allele origin: germline.

NM_025216.3(WNT10A):c.38G>C (p.Arg13Pro)

Gene: WNT10A (Wnt family member 10A; plus strand). Cytogenetic location: 2q35.
Variant type: single nucleotide variant.
Coding change: c.38G>C on transcript NM_025216.3 (MANE Select); coding-DNA position 38, G replaced by C.
Protein change: p.Arg13Pro; replaces arginine 13 with proline.
Molecular consequence: missense variant.
Genome position (GRCh38, 1-based): chr2:218,881,033, G>C. VCF-style: chr2-218881033-G-C. GRCh37 (hg19) VCF-style: chr2-219745755-G-C.
Other names: c.38G>C (NM_025216.2); short protein forms R13P.
Identifiers: ClinVar variation 1917753 (VCV001917753.7), dbSNP rs767104236, ClinGen allele CA2113808.
Genomic context (GRCh38, chr2:218,881,033, plus strand): 5'-CAGCCCGTCAGGGCCTGCGCGCCATGGGCAGCGCCCACCCTCGCCCCTGGCTGCGGCTCC[G>C]ACCCCAGCCCCAGCCGCGGCCAGCGCTCTGGGTGCTCCTGTTCTTCCTACTGCTGCTGGC-3'
Protein context (NP_079492.2, residues 3-23): SAHPRPWLRL[Arg13Pro]PQPQPRPALW